The following is an entry in ClinVar:

NM_170707.4(LMNA):c.1714del (p.Ser572fs)

Gene: LMNA (lamin A/C; plus strand). Cytogenetic location: 1q22.
Variant type: Deletion.
Coding change: c.1714del on transcript NM_170707.4 (MANE Select); coding-DNA position 1714, one base deleted (A; older notation c.1714delA).
Protein change: p.Ser572fs; shifts the reading frame from serine 572.
Molecular consequence: frameshift variant.
Genome position (GRCh38, 1-based): chr1:156,138,503, A deleted. VCF-style (leftmost placement, unchanged base first): chr1-156138502-CA-C. GRCh37 (hg19) VCF-style: chr1-156108293-CA-C.
Other names: c.1378del, p.Ser460fs (NM_001257374.3, NM_001406989.1); c.1714del, p.Ser572fs (NM_001282626.2, NM_001406983.1, NM_001406985.1 and 1 more transcripts); c.1471del, p.Ser491fs (NM_001406986.1, NM_001406987.1); c.1417del, p.Ser473fs (NM_001406988.1); c.1156del, p.Ser386fs (NM_001406990.1, NM_001406993.1, NM_001406995.1 and 2 more transcripts); c.1090del, p.Ser364fs (NM_001406994.1, NM_001406999.1, NM_001407000.1 and 1 more transcripts); c.1624del, p.Ser542fs (NM_170708.4); short protein forms S473fs, S491fs, S364fs, S386fs, S460fs, S542fs, S572fs.
Identifiers: ClinVar variation 3717256 (VCV003717256.2).

ClinVar aggregate classification (germline): Pathogenic (1 of 4 stars; one submission).

Conditions:
Charcot-Marie-Tooth disease type 2. Also called: Charcot-Marie-Tooth type 2. Identifiers: Orphanet 64746, MedGen C0270914, MONDO:0018993.

Submission:

Labcorp Genetics (formerly Invitae), Labcorp
Classification: Pathogenic for Charcot-Marie-Tooth disease type 2. Last evaluated: 2024-09-15. Review status: criteria provided, single submitter. Criteria: Invitae Variant Classification Sherloc (09022015). Collection method: clinical testing. Allele origin: germline.
Comment: This sequence change results in a frameshift in the LMNA gene (p.Ser572Alafs*126). While this is not anticipated to result in nonsense mediated decay, it is expected to disrupt the last 93 amino acid(s) of the LMNA protein and extend the protein by 32 additional amino acid residues. This variant is not present in population databases (gnomAD no frequency). This variant has not been reported in the literature in individuals affected with LMNA-related conditions. This variant disrupts a region of the LMNA protein in which other variant(s) (p.Asp596Asn) have been determined to be pathogenic (PMID: 18035816, 21520333). This suggests that this is a clinically significant region of the protein, and that variants that disrupt it are likely to be disease-causing. For these reasons, this variant has been classified as Pathogenic.

Literature cited by the submitters: PubMed 18035816; PubMed 21520333.